The following is an entry in ClinVar:

NM_004655.4(AXIN2):c.869T>C (p.Val290Ala)

Gene: AXIN2 (axin 2; minus strand). Cytogenetic location: 17q24.1.
Variant type: single nucleotide variant.
Coding change: c.869T>C on transcript NM_004655.4 (MANE Select); coding-DNA position 869, T replaced by C.
Protein change: p.Val290Ala; replaces valine 290 with alanine.
Molecular consequence: missense variant.
Genome position (GRCh38, 1-based): chr17:65,549,607, A>G on the plus strand (T>C on the coding strand, the complement: AXIN2 is on the minus strand). VCF-style: chr17-65549607-A-G. GRCh37 (hg19) VCF-style: chr17-63545725-A-G.
Other names: c.869T>C, p.Val290Ala (NM_001363813.1); short protein forms V290A.
Identifiers: ClinVar variation 4883382 (VCV004883382.2).

ClinVar aggregate classification (germline): Uncertain significance (1 of 4 stars; one submission).

Submission:

Dasa
Classification: Uncertain significance. Last evaluated: 2025-02-24. Review status: criteria provided, single submitter. Criteria: DASA Assertion Criteria. Collection method: clinical testing. Allele origin: germline.
Comment: NM_004655.4(AXIN2):c.869T>C (p.Val290Ala) is a missense variant that results in the substitution of valine with alanine. This variant is absent from population databases. Computational prediction algorithms are consistent with a benign effect. The currently available literature and clinical evidence are not sufficient to establish a definitive association between this variant and the reported condition. Therefore, this variant is classified as a variant of uncertain significance.